The following is an entry in ClinVar:

NM_000051.4(ATM):c.347A>C (p.Lys116Thr)

Gene: ATM (ATM serine/threonine kinase; plus strand). Cytogenetic location: 11q22.3.
Variant type: single nucleotide variant.
Coding change: c.347A>C on transcript NM_000051.4 (MANE Select); coding-DNA position 347, A replaced by C.
Protein change: p.Lys116Thr; replaces lysine 116 with threonine.
Molecular consequence: missense variant.
Genome position (GRCh38, 1-based): chr11:108,235,685, A>C. VCF-style: chr11-108235685-A-C. GRCh37 (hg19) VCF-style: chr11-108106412-A-C.
Other names: c.347A>C, p.Lys116Thr (NM_001351834.2); short protein forms K116T.
Identifiers: ClinVar variation 4866255 (VCV004866255.1).

ClinVar aggregate classification (germline): Uncertain significance (1 of 4 stars; one submission).

Conditions:
Hereditary cancer-predisposing syndrome. Also called: Neoplastic Syndromes, Hereditary; Tumor predisposition; Hereditary Cancer Syndrome; Hereditary neoplastic syndrome. Identifiers: Orphanet 140162, MedGen C0027672, MeSH D009386, MONDO:0015356.

Submission:

Ambry Genetics
Classification: Uncertain significance for Hereditary cancer-predisposing syndrome. Last evaluated: 2026-04-14. Review status: criteria provided, single submitter. Criteria: Ambry Variant Classification Scheme 2023. Collection method: clinical testing. Allele origin: germline.
Comment: The p.K116T variant (also known as c.347A>C), located in coding exon 4 of the ATM gene, results from an A to C substitution at nucleotide position 347. In an assay testing ATM function, this variant showed a functionally normal result (Lee KS et al. Cell, 2025 Sep;188:5081-5099.e27). The lysine at codon 116 is replaced by threonine, an amino acid with similar properties. This amino acid position is highly conserved in available vertebrate species. In addition, the in silico prediction for this alteration is inconclusive. Based on the available evidence, the clinical significance of this variant remains unclear.

Literature cited by the submitters: PubMed 40580951.